The following is an entry in ClinVar:

NM_000088.4(COL1A1):c.1161C>A (p.Asn387Lys)

Gene: COL1A1 (collagen type I alpha 1 chain; minus strand). Cytogenetic location: 17q21.33.
Variant type: single nucleotide variant.
Coding change: c.1161C>A on transcript NM_000088.4 (MANE Select); coding-DNA position 1161, C replaced by A.
Protein change: p.Asn387Lys; replaces asparagine 387 with lysine.
Molecular consequence: missense variant.
Genome position (GRCh38, 1-based): chr17:50,195,473, G>T on the plus strand (C>A on the coding strand, the complement: COL1A1 is on the minus strand). VCF-style: chr17-50195473-G-T. GRCh37 (hg19) VCF-style: chr17-48272834-G-T.
Other names: short protein forms N387K.
Identifiers: ClinVar variation 1040570 (VCV001040570.13), dbSNP rs899337697, ClinGen allele CA291546801.

ClinVar aggregate classification (germline): Conflicting classifications of pathogenicity. Review status: criteria provided, conflicting classifications (1 of 4 stars). 4 submissions from 4 submitters: Uncertain significance (3); Likely benign (1). Last evaluated 2026-05-26.

Conditions:
Osteogenesis imperfecta type I (OI1). Also called: Lobstein's Disease; Osteogenesis imperfecta type 1; OI, TYPE I; OSTEOGENESIS IMPERFECTA TARDA; OSTEOGENESIS IMPERFECTA WITH BLUE SCLERAE; Lobstein disease. Identifiers: Orphanet 216796, Orphanet 666, MedGen C0023931, MONDO:0008146, OMIM 166200. Disease mechanism: loss of function.
Cardiovascular phenotype. Identifiers: MedGen CN230736.

Allele frequency attached by ClinVar (database versions not stated): gnomAD 0.00001; TOPMed 0.00001; gnomAD exomes 0.00002.
gnomAD v4.1: 32 of 1,614,032 alleles (0.002%); highest among the groups gnomAD compares: Non-Finnish European, 0.0026%; no homozygotes.

Submissions (4):

Women's Health and Genetics/Laboratory Corporation of America, LabCorp
Classification: Uncertain significance. Last evaluated: 2026-05-26. Review status: criteria provided, single submitter. Criteria: LabCorp Variant Classification Summary - May 2015. Collection method: clinical testing. Allele origin: germline.
Comment: Variant summary: COL1A1 c.1161C>A (p.Asn387Lys) results in a non-conservative amino acid change in the encoded protein sequence. Algorithms developed to predict the effect of missense changes on protein structure and function are either unavailable or do not agree on the potential impact of this missense change. The variant allele was found at a frequency of 1.6e-05 in 251476 control chromosomes. The available data on variant occurrences in the general population are insufficient to allow any conclusion about variant significance. To our knowledge, no occurrence of c.1161C>A in individuals affected with COL1A1-related conditions and no experimental evidence demonstrating its impact on protein function have been reported. ClinVar contains an entry for this variant (Variation ID: 1040570). Based on the evidence outlined above, the variant was classified as uncertain significance.

Labcorp Genetics (formerly Invitae), Labcorp
Classification: Likely benign for Osteogenesis imperfecta type I. Last evaluated: 2025-09-30. Review status: criteria provided, single submitter. Criteria: Invitae Variant Classification Sherloc (09022015). Collection method: clinical testing. Allele origin: germline.

Ambry Genetics
Classification: Uncertain significance for Cardiovascular phenotype. Last evaluated: 2022-06-21. Review status: criteria provided, single submitter. Criteria: Ambry Variant Classification Scheme 2023. Collection method: clinical testing. Allele origin: germline.
Comment: The p.N387K variant (also known as c.1161C>A), located in coding exon 18 of the COL1A1 gene, results from a C to A substitution at nucleotide position 1161. The asparagine at codon 387 is replaced by lysine, an amino acid with similar properties. This amino acid position is well conserved in available vertebrate species. In addition, the in silico prediction for this alteration is inconclusive. Since supporting evidence is limited at this time, the clinical significance of this alteration remains unclear.

Blueprint Genetics
Classification: Uncertain significance. Last evaluated: 2018-11-29. Review status: criteria provided, single submitter. Criteria: ACMG Guidelines, 2015. Collection method: clinical testing. Allele origin: germline.